The following is an entry in ClinVar:

NM_006236.3(POU3F3):c.751G>C (p.Ala251Pro)

Gene: POU3F3 (POU class 3 homeobox 3; plus strand). Cytogenetic location: 2q12.1.
Variant type: single nucleotide variant.
Coding change: c.751G>C on transcript NM_006236.3 (MANE Select); coding-DNA position 751, G replaced by C.
Protein change: p.Ala251Pro; replaces alanine 251 with proline.
Molecular consequence: missense variant.
Genome position (GRCh38, 1-based): chr2:104,856,261, G>C. VCF-style: chr2-104856261-G-C. GRCh37 (hg19) VCF-style: chr2-105472719-G-C.
Other names: short protein forms A251P.
Identifiers: ClinVar variation 3339123 (VCV003339123.1).

ClinVar aggregate classification (germline): Uncertain significance (1 of 4 stars; one submission).

gnomAD v4.1: 2 of 1,403,770 alleles (0.00014%); highest among the groups gnomAD compares: Non-Finnish European, 0.00018%; no homozygotes.

Submission:

Women's Health and Genetics/Laboratory Corporation of America, LabCorp
Classification: Uncertain significance. Last evaluated: 2024-07-05. Review status: criteria provided, single submitter. Criteria: LabCorp Variant Classification Summary - May 2015. Collection method: clinical testing. Allele origin: germline.
Comment: Variant summary: POU3F3 c.751G>C (p.Ala251Pro) results in a non-conservative amino acid change in the encoded protein sequence. Four of five in-silico tools predict a benign effect of the variant on protein function. The frequency data for this variant in gnomAD is considered unreliable, as metrics indicate poor data quality at this position. To our knowledge, no occurrence of c.751G>C in individuals affected with Snijders Blok-Fisher Syndrome and no experimental evidence demonstrating its impact on protein function have been reported. No submitters have cited clinical-significance assessments for this variant to ClinVar. Based on the evidence outlined above, the variant was classified as uncertain significance.